The following is an entry in ClinVar:

NM_000535.7(PMS2):c.260A>G (p.His87Arg)

Gene: PMS2 (PMS1 homolog 2, mismatch repair system component; minus strand). Cytogenetic location: 7p22.1.
Variant type: single nucleotide variant.
Coding change: c.260A>G on transcript NM_000535.7 (MANE Select); coding-DNA position 260, A replaced by G.
Protein change: p.His87Arg; replaces histidine 87 with arginine.
Molecular consequence: missense variant. On other transcripts: 5 prime UTR variant (9), non-coding transcript variant (1), intron variant (2).
Genome position (GRCh38, 1-based): chr7:6,003,783, T>C on the plus strand (A>G on the coding strand, the complement: PMS2 is on the minus strand). VCF-style: chr7-6003783-T-C. GRCh37 (hg19) VCF-style: chr7-6043414-T-C.
Other names: c.-146A>G (NM_001322003.2, NM_001322004.2, NM_001322005.2 and 3 more transcripts); c.260A>G, p.His87Arg (NM_001322006.2, NM_001322014.2); c.-625A>G (NM_001322011.2, NM_001322012.2); c.-225A>G (NM_001322015.2); c.35+189A>G (NM_001322008.2, NM_001322007.2); short protein forms H87R.
Identifiers: ClinVar variation 1020324 (VCV001020324.14), dbSNP rs1340959686, ClinGen allele CA366744717.

ClinVar aggregate classification (germline): Uncertain significance. Review status: criteria provided, multiple submitters, no conflicts (2 of 4 stars). 3 submissions from 3 submitters: Uncertain significance (3). Last evaluated 2024-05-10.

Conditions:
Hereditary nonpolyposis colorectal neoplasms. Identifiers: MedGen C0009405, MeSH D003123.
Hereditary cancer-predisposing syndrome. Also called: Tumor predisposition; Neoplastic Syndromes, Hereditary; Hereditary neoplastic syndrome; Hereditary Cancer Syndrome. Identifiers: Orphanet 140162, MedGen C0027672, MeSH D009386, MONDO:0015356.

Allele frequency attached by ClinVar (database versions not stated): gnomAD exomes below 0.00001.
gnomAD v4.1: 1 of 1,604,430 alleles (0.000062%); highest among the groups gnomAD compares: Non-Finnish European, 0.000085%; no homozygotes.

Submissions (3):

Ambry Genetics
Classification: Uncertain significance for Hereditary cancer-predisposing syndrome. Last evaluated: 2024-05-10. Review status: criteria provided, single submitter. Criteria: Ambry Variant Classification Scheme 2023. Collection method: clinical testing. Allele origin: germline.
Comment: The p.H87R variant (also known as c.260A>G), located in coding exon 4 of the PMS2 gene, results from an A to G substitution at nucleotide position 260. The histidine at codon 87 is replaced by arginine, an amino acid with highly similar properties. This amino acid position is highly conserved in available vertebrate species. In addition, this alteration is predicted to be deleterious by in silico analysis. Based on the available evidence, the clinical significance of this variant remains unclear.

GeneDx
Classification: Uncertain significance. Last evaluated: 2023-06-07. Review status: criteria provided, single submitter. Criteria: GeneDx Variant Classification Process June 2021. Collection method: clinical testing. Allele origin: germline. Affected: yes.
Comment: Not observed at significant frequency in large population cohorts (gnomAD); In silico analysis supports that this missense variant has a deleterious effect on protein structure/function; Has not been previously published as pathogenic or benign to our knowledge; This variant is associated with the following publications: (PMID: 11574484, 25503501)

Labcorp Genetics (formerly Invitae), Labcorp
Classification: Uncertain significance for Hereditary nonpolyposis colorectal neoplasms. Last evaluated: 2021-12-26. Review status: criteria provided, single submitter. Criteria: Invitae Variant Classification Sherloc (09022015). Collection method: clinical testing. Allele origin: germline.
Comment: This variant is present in population databases (no rsID available, gnomAD 0.0009%). This sequence change replaces histidine, which is basic and polar, with arginine, which is basic and polar, at codon 87 of the PMS2 protein (p.His87Arg). This missense change has been observed in individual(s) with clinical features of PMS2-related conditions (PMID: 21520333). ClinVar contains an entry for this variant (Variation ID: 1020324). Algorithms developed to predict the effect of missense changes on protein structure and function (SIFT, PolyPhen-2, Align-GVGD) all suggest that this variant is likely to be disruptive. In summary, the available evidence is currently insufficient to determine the role of this variant in disease. Therefore, it has been classified as a Variant of Uncertain Significance.

Literature cited by the submitters: PubMed 21520333 (cited by Labcorp Genetics (formerly Invitae), Labcorp).